The following is an entry in ClinVar:

NM_001649.4(SHROOM2):c.4311+10T>A

Genes: SHROOM2 (shroom family member 2; plus strand), LOC126863206 (BRD4-independent group 4 enhancer GRCh37_chrX:9907403-9908602; plus strand). Cytogenetic location: Xp22.2.
Variant type: single nucleotide variant.
Coding change: c.4311+10T>A on transcript NM_001649.4 (MANE Select); 10 bases into the intron after coding-DNA position 4311, T replaced by A.
Molecular consequence: intron variant.
Genome position (GRCh38, 1-based): chrX:9,939,376, T>A. VCF-style: chrX-9939376-T-A. GRCh37 (hg19) VCF-style: chrX-9907416-T-A.
Other names: c.816+10T>A (NM_001320663.2, NM_001320664.2).
Identifiers: ClinVar variation 3056854 (VCV003056854.2), dbSNP rs16985805, ClinGen allele CA10345931.

ClinVar aggregate classification (germline): Benign (0 of 4 stars; one submission).

Conditions:
SHROOM2-related disorder. Also called: SHROOM2-related condition.

Allele frequency attached by ClinVar (database versions not stated): gnomAD exomes 0.00519; ExAC 0.02156; gnomAD 0.03940; 1000 Genomes Project 30x 0.04370; 1000 Genomes Project 0.04450; TOPMed 0.04457; ESP Exome Variant Server 0.04629.
gnomAD v4.1: 10,293 of 1,188,728 alleles (0.87%); highest among the groups gnomAD compares: African/African-American, 13%; 385 homozygotes.

Submission:

PreventionGenetics, part of Exact Sciences
Classification: Benign for SHROOM2-related condition. Last evaluated: 2024-08-27. Review status: no assertion criteria provided. Collection method: clinical testing. Allele origin: germline.
Comment: This variant is classified as benign based on ACMG/AMP sequence variant interpretation guidelines (Richards et al. 2015 PMID: 25741868, with internal and published modifications).